The following is an entry in ClinVar:

NM_000051.4(ATM):c.574C>T (p.His192Tyr)

Gene: ATM (ATM serine/threonine kinase; plus strand). Cytogenetic location: 11q22.3.
Variant type: single nucleotide variant.
Coding change: c.574C>T on transcript NM_000051.4 (MANE Select); coding-DNA position 574, C replaced by T.
Protein change: p.His192Tyr; replaces histidine 192 with tyrosine.
Molecular consequence: missense variant.
Genome position (GRCh38, 1-based): chr11:108,244,030, C>T. VCF-style: chr11-108244030-C-T. GRCh37 (hg19) VCF-style: chr11-108114757-C-T.
Other names: c.574C>T, p.His192Tyr (NM_001351834.2); short protein forms H192Y.
Identifiers: ClinVar variation 481313 (VCV000481313.13), dbSNP rs587780629, ClinGen allele CA382527871.

ClinVar aggregate classification (germline): Uncertain significance. Review status: criteria provided, multiple submitters, no conflicts (2 of 4 stars). 2 submissions from 2 submitters: Uncertain significance (2). Last evaluated 2023-08-30.

Conditions:
Hereditary cancer-predisposing syndrome. Also called: Hereditary neoplastic syndrome; Neoplastic Syndromes, Hereditary; Tumor predisposition; Hereditary Cancer Syndrome. Identifiers: Orphanet 140162, MedGen C0027672, MeSH D009386, MONDO:0015356.
Ataxia-telangiectasia syndrome (AT). Also called: LOUIS-BAR SYNDROME; Cerebello-oculocutaneous telangiectasia; Immunodeficiency with ataxia telangiectasia; AT, COMPLEMENTATION GROUP C; Ataxia-telangiectasia, complementation group D; ATAXIA-TELANGIECTASIA, COMPLEMENTATION GROUP A. Identifiers: Orphanet 100, MedGen C0004135, MONDO:0008840, OMIM 208900.

Submissions (2):

Labcorp Genetics (formerly Invitae), Labcorp
Classification: Uncertain significance for Ataxia-telangiectasia syndrome. Last evaluated: 2023-08-30. Review status: criteria provided, single submitter. Criteria: Invitae Variant Classification Sherloc (09022015). Collection method: clinical testing. Allele origin: germline.
Comment: This sequence change replaces histidine, which is basic and polar, with tyrosine, which is neutral and polar, at codon 192 of the ATM protein (p.His192Tyr). This variant is not present in population databases (gnomAD no frequency). This variant has not been reported in the literature in individuals affected with ATM-related conditions. ClinVar contains an entry for this variant (Variation ID: 481313). Algorithms developed to predict the effect of missense changes on protein structure and function output the following: SIFT: "Not Available"; PolyPhen-2: "Benign"; Align-GVGD: "Not Available". The tyrosine amino acid residue is found in multiple mammalian species, which suggests that this missense change does not adversely affect protein function. In summary, the available evidence is currently insufficient to determine the role of this variant in disease. Therefore, it has been classified as a Variant of Uncertain Significance.

Ambry Genetics
Classification: Uncertain significance for Hereditary cancer-predisposing syndrome. Last evaluated: 2021-09-03. Review status: criteria provided, single submitter. Criteria: Ambry Variant Classification Scheme 2023. Collection method: clinical testing. Allele origin: germline.
Comment: The p.H192Y variant (also known as c.574C>T), located in coding exon 5 of the ATM gene, results from a C to T substitution at nucleotide position 574. The histidine at codon 192 is replaced by tyrosine, an amino acid with similar properties. This amino acid position is not well conserved in available vertebrate species. In addition, this alteration is predicted to be tolerated by in silico analysis. Since supporting evidence is limited at this time, the clinical significance of this alteration remains unclear.